The following is an entry in ClinVar:

ClinVar aggregate classification (germline): Uncertain significance. Review status: criteria provided, multiple submitters, no conflicts (2 of 4 stars). 6 submissions from 6 submitters: Uncertain significance (5). 1 of the submissions does not count toward it. Last evaluated 2022-09-27.

Conditions:
DRC1-related disorder. Also called: DRC1-related condition.
Inborn genetic diseases. Identifiers: MedGen C0950123, MeSH D030342.
Primary ciliary dyskinesia 21. Also called: CILIARY DYSKINESIA, PRIMARY, 21, WITHOUT SITUS INVERSUS. Identifiers: Orphanet 244, MedGen C3809087, MONDO:0014123, OMIM 615294.
Primary ciliary dyskinesia. Also called: Ciliary dyskinesia. Identifiers: Orphanet 244, MedGen C0008780, MONDO:0016575, HP:0012265.

Allele frequency attached by ClinVar (database versions not stated): 1000 Genomes Project 30x 0.00016; 1000 Genomes Project 0.00020; gnomAD exomes 0.00021; gnomAD 0.00029 and 0.00033; TOPMed 0.00031.
gnomAD v4.1: 383 of 1,614,200 alleles (0.024%); highest among the groups gnomAD compares: Middle Eastern, 0.84%; 2 homozygotes.

Submissions (6):

Ambry Genetics
Classification: Uncertain significance for Inborn genetic diseases. Last evaluated: 2022-09-27. Review status: criteria provided, single submitter. Criteria: Ambry Variant Classification Scheme 2023. Collection method: clinical testing. Allele origin: germline.

Labcorp Genetics (formerly Invitae), Labcorp
Classification: Uncertain significance for Primary ciliary dyskinesia. Last evaluated: 2022-08-09. Review status: criteria provided, single submitter. Criteria: Invitae Variant Classification Sherloc (09022015). Collection method: clinical testing. Allele origin: germline.
Comment: This sequence change replaces alanine, which is neutral and non-polar, with valine, which is neutral and non-polar, at codon 473 of the DRC1 protein (p.Ala473Val). This variant is present in population databases (rs199574440, gnomAD 0.2%). This variant has not been reported in the literature in individuals affected with DRC1-related conditions. ClinVar contains an entry for this variant (Variation ID: 407102). Algorithms developed to predict the effect of missense changes on protein structure and function (SIFT, PolyPhen-2, Align-GVGD) all suggest that this variant is likely to be tolerated. In summary, the available evidence is currently insufficient to determine the role of this variant in disease. Therefore, it has been classified as a Variant of Uncertain Significance.

Fulgent Genetics
Classification: Uncertain significance for Primary ciliary dyskinesia 21. Last evaluated: 2022-01-04. Review status: criteria provided, single submitter. Criteria: ACMG Guidelines, 2015. Collection method: clinical testing. Allele origin: unknown.

GeneDx
Classification: Uncertain significance. Last evaluated: 2017-08-21. Review status: criteria provided, single submitter. Criteria: GeneDx Variant Classification (06012015). Collection method: clinical testing. Allele origin: germline. Affected: yes.
Comment: The A473V variant in the DRC1 gene has not been reported previously as a pathogenic variant, nor as a benign variant, to our knowledge. The A473V variant is observed in 29/66,340 (0.043%) alleles from individuals of European (non-Finnish) background in the ExAC dataset (Lek et al., 2016). The A473V variant is a conservative amino acid substitution, which is not likely to impact secondary protein structure as these residues share similar properties. This substitution occurs at a position that is not conserved, and in silico analysis is inconsistent in its predictions as to whether or not the variant is damaging to the protein structure/function. We interpret A473V as a variant of uncertain significance.

Breakthrough Genomics
Classification: Uncertain significance. Review status: criteria provided, single submitter. Criteria: ACMG Guidelines, 2015. Collection method: not provided. Allele origin: germline. Inheritance: Autosomal recessive inheritance. Affected: yes.

PreventionGenetics, part of Exact Sciences
Classification: Likely benign for DRC1-related condition. Last evaluated: 2023-02-06. Review status: no assertion criteria provided. Collection method: clinical testing. Allele origin: germline. Not counted in ClinVar's aggregate classification.
Comment: This variant is classified as likely benign based on ACMG/AMP sequence variant interpretation guidelines (Richards et al. 2015 PMID: 25741868, with internal and published modifications).

NM_145038.5(DRC1):c.1418C>T (p.Ala473Val)

Gene: DRC1 (dynein regulatory complex subunit 1; plus strand). Cytogenetic location: 2p23.3.
Variant type: single nucleotide variant.
Coding change: c.1418C>T on transcript NM_145038.5 (MANE Select); coding-DNA position 1418, C replaced by T.
Protein change: p.Ala473Val; replaces alanine 473 with valine.
Molecular consequence: missense variant.
Genome position (GRCh38, 1-based): chr2:26,448,712, C>T. VCF-style: chr2-26448712-C-T. GRCh37 (hg19) VCF-style: chr2-26671580-C-T.
Other names: c.1418C>T (NM_145038.2, NM_145038.4); short protein forms A473V.
Identifiers: ClinVar variation 407102 (VCV000407102.11), dbSNP rs199574440, ClinGen allele CA1562253.